The following is an entry in ClinVar:

ClinVar aggregate classification (germline): Likely benign (1 of 4 stars; one submission).

gnomAD v4.1: 34 of 1,613,978 alleles (0.0021%); highest among the groups gnomAD compares: Non-Finnish European, 0.0025%; no homozygotes.

Submission:

CeGaT Center for Human Genetics Tuebingen
Classification: Likely benign. Last evaluated: 2025-11-01. Review status: criteria provided, single submitter. Criteria: CeGaT Center For Human Genetics Tuebingen Variant Classification Criteria Version 2. Collection method: clinical testing. Allele origin: germline. Affected: yes. Observed: 1 variant allele.
Comment: PRKCZ: BP4, BP7

NM_002744.6(PRKCZ):c.588C>T (p.Asp196=)

Gene: PRKCZ (protein kinase C zeta; plus strand). Cytogenetic location: 1p36.33.
Variant type: single nucleotide variant.
Coding change: c.588C>T on transcript NM_002744.6 (MANE Select); coding-DNA position 588, C replaced by T.
Protein change: p.Asp196=; no amino-acid change (aspartic acid 196 retained).
Molecular consequence: synonymous variant. On other transcripts: 5 prime UTR variant (2), non-coding transcript variant (1).
Genome position (GRCh38, 1-based): chr1:2,146,062, C>T. VCF-style: chr1-2146062-C-T. GRCh37 (hg19) VCF-style: chr1-2077501-C-T.
Other names: c.39C>T, p.Asp13= (NM_001033581.3, NM_001033582.3, NM_001350803.2 and 1 more transcripts); c.276C>T, p.Asp92= (NM_001242874.3); c.-321C>T (NM_001350805.2, NM_001350806.2).
Identifiers: ClinVar variation 4534036 (VCV004534036.6).
Genomic context (GRCh38, chr1:2,146,062, plus strand): 5'-TGCCATCTCTGTGTCTCTCCGGCAGGATTCTGTCATGCCTTCCCAAGAGCCTCCAGTAGA[C>T]GACAAGAACGAGGACGCCGACCTTCCTTCCGAGGAGACAGATGGAAGTAGGCGCTGCTTT-3'
Protein context (NP_002735.3, residues 186-206): SVMPSQEPPV[Asp196=]DKNEDADLPS